The following is an entry in ClinVar:

ClinVar aggregate classification (germline): Pathogenic. Review status: criteria provided, multiple submitters, no conflicts (2 of 4 stars). 6 submissions from 6 submitters: Pathogenic (6). Last evaluated 2025-10-29.

Conditions:
SPINK5-related disorder. Also called: SPINK5-related condition.
Ichthyosis linearis circumflexa. Identifiers: MedGen C0265962, MONDO:0043106, HP:0025810.
Netherton syndrome (NETH). Also called: ERYTHRODERMA, ICHTHYOSIFORM, WITH HYPOTRICHOSIS AND HYPER-IgE; COMEL-NETHERTON SYNDROME; NETHERTON DISEASE. Identifiers: Orphanet 634, MedGen C5574950, MONDO:0009735, OMIM 256500.

Allele frequency attached by ClinVar (database versions not stated): ExAC 0.00001; gnomAD exomes 0.00001.

Submissions (6):

Labcorp Genetics (formerly Invitae), Labcorp
Classification: Pathogenic for Ichthyosis linearis circumflexa. Last evaluated: 2025-10-29. Review status: criteria provided, single submitter. Criteria: Invitae Variant Classification Sherloc (09022015). Collection method: clinical testing. Allele origin: germline.
Comment: This sequence change creates a premature translational stop signal (p.Arg853*) in the SPINK5 gene. It is expected to result in an absent or disrupted protein product. Loss-of-function variants in SPINK5 are known to be pathogenic (PMID: 11511292, 11841556). This variant is present in population databases (rs753621591, gnomAD 0.003%). This premature translational stop signal has been observed in individual(s) with Netherton syndrome (PMID: 22089833, 28832562). ClinVar contains an entry for this variant (Variation ID: 623372). For these reasons, this variant has been classified as Pathogenic.

Baylor Genetics
Classification: Pathogenic for Netherton syndrome. Last evaluated: 2020-06-09. Review status: criteria provided, single submitter. Criteria: ACMG Guidelines, 2015. Collection method: clinical testing. Allele origin: unknown. Affected: yes.
Comment: This variant was determined to be pathogenic according to ACMG Guidelines, 2015 [PMID:25741868].

Blueprint Genetics
Classification: Pathogenic for SPINK5-related disorders. Last evaluated: 2020-01-13. Review status: criteria provided, single submitter. Criteria: ACMG Guidelines, 2015. Collection method: clinical testing. Allele origin: germline. Affected: yes. Observed: 3 variant alleles.

Victorian Clinical Genetics Services, Murdoch Childrens Research Institute
Classification: Pathogenic for Netherton syndrome. Last evaluated: 2018-09-16. Review status: criteria provided, single submitter. Criteria: ACMG Guidelines, 2015. Collection method: clinical testing. Allele origin: maternal. Affected: yes. Observed: 2 variant alleles.
Comment: A heterozygous nonsense variant, NM_006846.3(SPINK5):c.2557C>T, has been identified in exon 27 of 33 of the SPINK5 gene. The variant is predicted to result in a premature stop codon at position 853 of the protein (NP_006837.2(SPINK5):p.(Arg853*)), and result in loss of protein function through nonsense-mediated decay, which is a reported mechanism of pathogenicity for this gene. The variant is present in the gnomAD database at a frequency of 0.001% (3 heterozygotes, 0 homozygotes). The variant has been previously described as pathogenic in an individual with Netherton syndrome (Lacroix M. et al., (2012)). Based on the information available at the time of curation, this variant has been classified as PATHOGENIC.

Department of Genetics, Sultan Qaboos University Hospital
Classification: Pathogenic for Netherton syndrome. Last evaluated: 2017-12-30. Review status: criteria provided, single submitter. Criteria: ACMG Guidelines, 2015. Collection method: curation. Allele origin: unknown. Affected: yes.

Neuberg Centre For Genomic Medicine, NCGM
Classification: Pathogenic for Netherton syndrome. Review status: criteria provided, single submitter. Criteria: ACMG Guidelines, 2015. Collection method: clinical testing. Allele origin: germline. Inheritance: Autosomal recessive inheritance. Affected: yes.
Comment: This variant has been observed in individual(s) with Netherton syndrome (Lacroix M et al). The variant is reported with the allele frequency of 0.001203% in gnomAD and is novel (not in any individuals) in 1000 Genomes. This variant has been reported as pathogenic to the ClinVar database. This sequence change creates a premature translational stop signal (p.Arg853*) in the SPINK5 gene. It is expected to result in an absent or disrupted protein product. Loss-of-function variants in SPINK5 are known to be pathogenic (Sprecher E et al).The nucleotide change in SPINK5 is predicted as conserved by GERP++ and PhyloP across 100 vertebrates. For these reasons, this variant has been classified as pathogenic.

Literature cited by the submitters: PubMed 11511292 (cited by Labcorp Genetics (formerly Invitae), Labcorp); PubMed 11841556 (cited by Labcorp Genetics (formerly Invitae), Labcorp); PubMed 22089833 (cited by Labcorp Genetics (formerly Invitae), Labcorp); PubMed 28832562 (cited by Labcorp Genetics (formerly Invitae), Labcorp).

NM_006846.4(SPINK5):c.2557C>T (p.Arg853Ter)

Gene: SPINK5 (serine peptidase inhibitor Kazal type 5; plus strand). Cytogenetic location: 5q32.
Variant type: single nucleotide variant.
Coding change: c.2557C>T on transcript NM_006846.4 (MANE Select); coding-DNA position 2557, C replaced by T.
Protein change: p.Arg853Ter; replaces arginine 853 with a stop codon.
Molecular consequence: nonsense.
Genome position (GRCh38, 1-based): chr5:148,123,851, C>T. VCF-style: chr5-148123851-C-T. GRCh37 (hg19) VCF-style: chr5-147503414-C-T.
Other names: c.2557C>T, p.Arg853Ter (NM_001127698.2, NM_001127699.2); short protein forms R853*.
Identifiers: ClinVar variation 623372 (VCV000623372.16), dbSNP rs753621591, ClinGen allele CA3496038.
Genomic context (GRCh38, chr5:148,123,851, plus strand): 5'-TTATACCATGACAGTAACAACTTTTTCTGCTACTGTTGGTAGGATCTGTGTCGTGAATTT[C>T]GAAGCATGCAGAGAAATGGAAAGCTTATCTGCACCAGAGAAAATAACCCTGTTCGAGGCC-3'